The following is an entry in ClinVar:

ClinVar aggregate classification (germline): Conflicting classifications of pathogenicity. Review status: criteria provided, conflicting classifications (1 of 4 stars). 3 submissions from 3 submitters: Uncertain significance (1); Likely benign (2). Last evaluated 2025-05-27.

Conditions:
Birt-Hogg-Dube syndrome 1 (BHD1). Also called: FIBROFOLLICULOMAS WITH TRICHODISCOMAS AND ACROCHORDONS. Identifiers: Orphanet 122, MedGen CN375946, MONDO:0800445, OMIM 135150.
Birt-Hogg-Dube syndrome. Also called: Birt Hogg Dubé syndrome. Identifiers: Orphanet 122, MedGen C0346010, MONDO:0800444.

Submissions (3):

Labcorp Genetics (formerly Invitae), Labcorp
Classification: Likely benign for Birt-Hogg-Dube syndrome. Last evaluated: 2025-05-27. Review status: criteria provided, single submitter. Criteria: Invitae Variant Classification Sherloc (09022015). Collection method: clinical testing. Allele origin: germline.

Myriad Genetics, Inc.
Classification: Likely benign for Birt-Hogg-Dube syndrome 1. Last evaluated: 2024-10-23. Review status: criteria provided, single submitter. Criteria: Myriad Autosomal Dominant, Autosomal Recessive and X-Linked Classification Criteria (2023). Collection method: clinical testing. Allele origin: unknown.
Comment: This variant is considered likely benign. This variant is intronic and is not expected to impact mRNA splicing.

Quest Diagnostics Nichols Institute San Juan Capistrano
Classification: Uncertain significance. Last evaluated: 2023-01-17. Review status: criteria provided, single submitter. Criteria: Quest Diagnostics criteria. Collection method: clinical testing. Allele origin: unknown.
Comment: To the best of our knowledge, the variant has not been reported in the published literature. It also has not been reported in large, multi-ethnic general populations. Analysis of this variant using software algorithms for the prediction of the effect of nucleotide changes on splicing yielded predictions that this variant does not affect FLCN mRNA splicing . Based on the available information, we are unable to determine the clinical significance of this variant.

NM_144997.7(FLCN):c.779+8G>A

Gene: FLCN (folliculin; minus strand). Cytogenetic location: 17p11.2.
Variant type: single nucleotide variant.
Coding change: c.779+8G>A on transcript NM_144997.7 (MANE Select); 8 bases into the intron after coding-DNA position 779, G replaced by A.
Molecular consequence: intron variant.
Genome position (GRCh38, 1-based): chr17:17,222,493, C>T on the plus strand (G>A on the coding strand, the complement: FLCN is on the minus strand). VCF-style: chr17-17222493-C-T. GRCh37 (hg19) VCF-style: chr17-17125807-C-T.
Other names: c.779+8G>A (NM_001353231.2, NM_001353230.2, NM_144606.7 and 1 more transcripts); c.833+8G>A (NM_001353229.2).
Identifiers: ClinVar variation 1103376 (VCV001103376.9), dbSNP rs1260972155, ClinGen allele CA2499223923.
Genomic context (GRCh38, chr17:17,222,493, plus strand): 5'-ACAAGCCAACCAATGTATCGTGACTGCTCTATCCTAACAGATATGCCAAAAGCAGAGACG[C>T]CCGTTACCAGGCAAAGGAGGTGTGCAGGCACGCCCACAGGTTGTCATCACTTGTCAGCGA-3'